The following is an entry in ClinVar:

NM_004171.4(SLC1A2):c.1714C>T (p.Arg572Cys)

Gene: SLC1A2 (solute carrier family 1 member 2; minus strand). Cytogenetic location: 11p13.
Variant type: single nucleotide variant.
Coding change: c.1714C>T on transcript NM_004171.4 (MANE Select); coding-DNA position 1714, C replaced by T.
Protein change: p.Arg572Cys; replaces arginine 572 with cysteine.
Molecular consequence: missense variant.
Genome position (GRCh38, 1-based): chr11:35,260,905, G>A on the plus strand (C>T on the coding strand, the complement: SLC1A2 is on the minus strand). VCF-style: chr11-35260905-G-A. GRCh37 (hg19) VCF-style: chr11-35282452-G-A.
Other names: c.1687C>T, p.Arg563Cys (NM_001195728.3, NM_001252652.2); c.1714C>T (NM_004171.3); short protein forms R572C, R563C.
Identifiers: ClinVar variation 1439675 (VCV001439675.9), dbSNP rs760172288, ClinGen allele CA5946988.

ClinVar aggregate classification (germline): Likely benign. Review status: criteria provided, multiple submitters, no conflicts (2 of 4 stars). 2 submissions from 2 submitters: Likely benign (2). Last evaluated 2025-12-30.

Conditions:
SLC1A2-related disorder. Also called: SLC1A2-related condition.

Allele frequency attached by ClinVar (database versions not stated): gnomAD 0.00001; TOPMed 0.00002.
gnomAD v4.1: 12 of 1,612,230 alleles (0.00074%); highest among the groups gnomAD compares: South Asian, 0.0033%; no homozygotes.

Submissions (2):

PreventionGenetics, part of Exact Sciences
Classification: Likely benign for SLC1A2-related condition. Last evaluated: 2025-12-30. Review status: criteria provided, single submitter. Criteria: ACMG Guidelines, 2015. Collection method: clinical testing. Allele origin: germline.
Comment: This variant is classified as likely benign based on ACMG/AMP sequence variant interpretation guidelines (Richards et al. 2015 PMID: 25741868, with internal and published modifications).

Labcorp Genetics (formerly Invitae), Labcorp
Classification: Likely benign. Last evaluated: 2025-05-30. Review status: criteria provided, single submitter. Criteria: Invitae Variant Classification Sherloc (09022015). Collection method: clinical testing. Allele origin: germline.